The following is an entry in ClinVar:

ClinVar aggregate classification (germline): Pathogenic/Likely pathogenic. Review status: criteria provided, multiple submitters, no conflicts (2 of 4 stars). 11 submissions from 11 submitters: Pathogenic (6); Likely pathogenic (3). 2 of the submissions do not count toward it. Last evaluated 2026-06-19.

Conditions:
NF1-related disorder. Also called: NF1-related condition. Identifiers: MedGen CN379171.
Neurofibromatosis, type 1 (NF1). Also called: Neurofibromatosis, type I; NEUROFIBROMATOSIS, TYPE I, SOMATIC; Peripheral type neurofibromatosis; VON RECKLINGHAUSEN DISEASE. Identifiers: Orphanet 636, MedGen C0027831, MONDO:0018975, OMIM 162200. Disease mechanism: loss of function.
Neurofibromatosis-Noonan syndrome (NFNS). Also called: NEUROFIBROMATOSIS WITH NOONAN PHENOTYPE. Identifiers: Orphanet 638, MedGen C2931482, MONDO:0011035, OMIM 601321. Disease mechanism: loss of function.

gnomAD v4.1: 1 of 1,613,884 alleles (0.000062%); highest among the groups gnomAD compares: Non-Finnish European, 0.000085%; no homozygotes.

Submissions (11):

PreventionGenetics, part of Exact Sciences
Classification: Pathogenic for NF1-related condition. Last evaluated: 2026-06-19. Review status: criteria provided, single submitter. Criteria: ACMG Guidelines, 2015. Collection method: clinical testing. Allele origin: germline.
Comment: The NF1 c.4231C>T variant is predicted to result in the amino acid substitution p.Leu1411Phe. In an alternate transcript (NM_000267), this variant is also referred to as c.4168C>T (p.Leu1390Phe). This variant has been reported in an individual and segregated in a family with NF1-related disease (Suppl. Table 3, Kang et al. 2020. PubMed ID: 31776437; Nyström et al. 2009. PubMed ID: 19845691). This variant was also identified in an individual with glioblastoma (Suppl. Table 2, Safonov et al. 2025. PubMed ID: 40169570). This variant has not been reported in a large population database (gnomAD), indicating this variant is rare, and has been classified as pathogenic/likely pathogenic by multiple submitters in ClinVar (Variation ID: 30992). Of note, other variants impacting the same amino acid (p.Leu1390Val, p.Leu1390Pro, and p.Leu1390Arg) have also been reported in individuals with NF1-related disease (Table S2 in Douben et al. 2023. PubMed ID: 40225167; Hazan et al. 2021. PubMed ID: 33443663; Supplemental Table in Ho et al. 2022. PubMed ID: 35240321). Based on this evidence, the c.4231C>T (p.Leu1411Phe) variant is interpreted as pathogenic.

Labcorp Genetics (formerly Invitae), Labcorp
Classification: Pathogenic for Neurofibromatosis, type 1. Last evaluated: 2025-10-21. Review status: criteria provided, single submitter. Criteria: Invitae Variant Classification Sherloc (09022015). Collection method: clinical testing. Allele origin: germline.
Comment: This sequence change replaces leucine, which is neutral and non-polar, with phenylalanine, which is neutral and non-polar, at codon 1390 of the NF1 protein (p.Leu1390Phe). This variant is not present in population databases (gnomAD no frequency). This missense change has been observed in individual(s) with neurofibromatosis-Noonan syndrome (NFNS) (PMID: 19845691; internal data). It has also been observed to segregate with disease in related individuals. Invitae Evidence Modeling of clinical and family history, age, sex, and reported ancestry of multiple individuals with this NF1 variant has been performed. This variant is expected to be pathogenic with a positive predictive value of at least 99%. This is a validated machine learning model that incorporates the clinical features of 1,785,918 individuals referred to our laboratory for NF1 testing. ClinVar contains an entry for this variant (Variation ID: 30992). Invitae Evidence Modeling of protein sequence and biophysical properties (such as structural, functional, and spatial information, amino acid conservation, physicochemical variation, residue mobility, and thermodynamic stability) indicates that this missense variant is expected to disrupt NF1 protein function with a positive predictive value of 95%. For these reasons, this variant has been classified as Pathogenic.

NHS Central & South Genomic Laboratory Hub
Classification: Pathogenic for Neurofibromatosis type 1. Last evaluated: 2025-07-01. Review status: criteria provided, single submitter. Criteria: ACMG Guidelines, 2015. Collection method: clinical testing. Allele origin: germline. Affected: yes.

3billion
Classification: Pathogenic for Neurofibromatosis, type 1. Last evaluated: 2024-11-26. Review status: criteria provided, single submitter. Criteria: ACMG Guidelines, 2015. Collection method: clinical testing. Allele origin: germline. Affected: yes.
Comment: The variant is observed at an extremely low frequency in the gnomAD v4.1.0 dataset (total allele frequency: <0.001%). Predicted Consequence/Location: Missense variant In silico tool predictions suggest damaging effect of the variant on gene or gene product [REVEL: 0.83 (>=0.6, sensitivity 0.68 and specificity 0.92); 3Cnet: 0.87 (>=0.6, sensitivity 0.72 and precision 0.9)]. The same nucleotide change resulting in the same amino acid change has been previously reported as pathogenic/likely pathogenic with strong evidence (ClinVar ID: VCV000030992 /PMID: 19845691). The variant has been reported to co-segregate with the disease in at least 7 similarly affected relatives/individuals in at least two unrelated families (PMID: 19845691). Different missense changes at the same codon (p.Leu1411Arg, p.Leu1411Pro, p.Leu1411Val) have been reported as pathogenic/likely pathogenic with strong evidence (ClinVar ID: VCV000547642, VCV000955704, VCV002092452 /PMID: 16835897, 35240321). Therefore, this variant is classified as Pathogenic according to the recommendation of ACMG/AMP guideline.

Laboratorio de Genetica e Diagnostico Molecular, Hospital Israelita Albert Einstein
Classification: Pathogenic for Neurofibromatosis, type 1. Last evaluated: 2023-01-13. Review status: criteria provided, single submitter. Criteria: ACMG Guidelines, 2015. Collection method: clinical testing. Allele origin: germline. Affected: yes. Observed: 1 variant allele.
Comment: ACMG classification criteria: PS4 supporting, PM2 moderated, PP1 strong, PP2 supporting, PP3 supporting, PP4

Genome-Nilou Lab
Classification: Likely pathogenic for Neurofibromatosis, type 1. Last evaluated: 2022-03-15. Review status: criteria provided, single submitter. Criteria: ACMG Guidelines, 2015. Collection method: clinical testing. Allele origin: germline. Affected: no.

Genome Diagnostics Laboratory, The Hospital for Sick Children
Classification: Likely pathogenic for Neurofibromatosis, type 1. Last evaluated: 2020-10-26. Review status: criteria provided, single submitter. Criteria: ACMG Guidelines, 2015. Collection method: clinical testing. Allele origin: germline. Affected: yes.

Clinical Molecular Genetics Laboratory, Johns Hopkins All Children's Hospital
Classification: Pathogenic for Neurofibromatosis, type 1. Last evaluated: 2018-12-20. Review status: criteria provided, single submitter. Criteria: ACMG Guidelines, 2015. Collection method: clinical testing. Allele origin: germline. Inheritance: Autosomal dominant inheritance. Affected: yes. Observed: 1 heterozygote.

GeneDx
Classification: Likely pathogenic. Last evaluated: 2016-11-29. Review status: criteria provided, single submitter. Criteria: GeneDx Variant Classification (06012015). Collection method: clinical testing. Allele origin: germline. Affected: yes.
Comment: The L1390F variant has been observed previously in one family with neurofibromatosis-Noonan syndrome (NFNS) (NystrÃ¶m et al., 2009). The variant was not observed in approximately 6,500 individuals of European and African American ancestry in the NHLBI Exome Sequencing Project, indicating it is not a common benign variant in these populations. L1390F is a conservative amino acid substitution, which is not likely to impact secondary protein structure as these residues share similar properties. However, this substitution occurs at a position within the Ras-GAP domain that is conserved across species, and in silico analysis predicts this variant is probably damaging to the protein structure/function. Missense variants in the same residue (L1390P) and in nearby residues (R1391G/S, P1395H) have been reported in the Human Gene Mutation Database in association with NF1-associated disorders (Stenson et al., 2014), supporting the functional importance of this region of the protein. Therefore, this variant is likely pathogenic; however, the possibility that it is benign cannot be excluded.

OMIM
Classification: Pathogenic for NEUROFIBROMATOSIS-NOONAN SYNDROME. Last evaluated: 2009-12-01. Review status: no assertion criteria provided. Collection method: literature only. Allele origin: germline. Not counted in ClinVar's aggregate classification.

UniProtKB/Swiss-Prot
No classification provided. Review status: no classification provided. Collection method: not provided. Allele origin: not provided. Not counted in ClinVar's aggregate classification.

Literature cited by the submitters: PubMed 19845691 (cited by 3 submitters); PubMed 16835897 (cited by 3billion); PubMed 7586657 (cited by OMIM).

NM_001042492.3(NF1):c.4231C>T (p.Leu1411Phe)

Gene: NF1 (neurofibromin 1; plus strand). Cytogenetic location: 17q11.2.
Variant type: single nucleotide variant.
Coding change: c.4231C>T on transcript NM_001042492.3 (MANE Select); coding-DNA position 4231, C replaced by T.
Protein change: p.Leu1411Phe; replaces leucine 1411 with phenylalanine.
Molecular consequence: missense variant.
Genome position (GRCh38, 1-based): chr17:31,258,401, C>T. VCF-style: chr17-31258401-C-T. GRCh37 (hg19) VCF-style: chr17-29585419-C-T.
Other names: c.4168C>T, p.Leu1390Phe (NM_000267.4); short protein forms L1390F, L1411F.
Identifiers: ClinVar variation 30992 (VCV000030992.15), dbSNP rs199474789, ClinGen allele CA129599.
Genomic context (GRCh38, chr17:31,258,401, plus strand): 5'-TAGGTGGTTAGCCAGCGTTTCCCTCAGAACAGCATCGGTGCAGTAGGAAGTGCCATGTTC[C>T]TCAGATTTATCAATCCTGCCATTGTCTCACCGTATGAAGCAGGGATTTTAGATAAAAAGC-3'
Protein context (NP_001035957.1, residues 1401-1421): SIGAVGSAMF[Leu1411Phe]RFINPAIVSP